The following is an entry in ClinVar:

NM_001006658.3(CR2):c.2299T>C (p.Phe767Leu)

Gene: CR2 (complement C3d receptor 2; plus strand). Cytogenetic location: 1q32.2.
Variant type: single nucleotide variant.
Coding change: c.2299T>C on transcript NM_001006658.3 (MANE Select); coding-DNA position 2299, T replaced by C.
Protein change: p.Phe767Leu; replaces phenylalanine 767 with leucine.
Molecular consequence: missense variant.
Genome position (GRCh38, 1-based): chr1:207,474,299, T>C. VCF-style: chr1-207474299-T-C. GRCh37 (hg19) VCF-style: chr1-207647644-T-C.
Other names: c.2122T>C, p.Phe708Leu (NM_001877.5); short protein forms F708L, F767L.
Identifiers: ClinVar variation 1026392 (VCV001026392.8), dbSNP rs1021219842, ClinGen allele CA36652624.

ClinVar aggregate classification (germline): Uncertain significance (1 of 4 stars; one submission).

Conditions:
Immunodeficiency, common variable, 7. Identifiers: Orphanet 1572, Orphanet 696894, MedGen C3542922, MONDO:0013862, OMIM 614699.

Allele frequency attached by ClinVar (database versions not stated): TOPMed below 0.00001; gnomAD exomes 0.00001.
gnomAD v4.1: 8 of 1,612,830 alleles (0.0005%); highest among the groups gnomAD compares: Non-Finnish European, 0.00068%; no homozygotes.

Submission:

Labcorp Genetics (formerly Invitae), Labcorp
Classification: Uncertain significance for Immunodeficiency, common variable, 7. Last evaluated: 2021-02-02. Review status: criteria provided, single submitter. Criteria: Invitae Variant Classification Sherloc (09022015). Collection method: clinical testing. Allele origin: germline.
Comment: In summary, the available evidence is currently insufficient to determine the role of this variant in disease. Therefore, it has been classified as a Variant of Uncertain Significance. Algorithms developed to predict the effect of missense changes on protein structure and function output the following: SIFT: "Tolerated"; PolyPhen-2: "Benign"; Align-GVGD: "Class C0". The leucine amino acid residue is found in multiple mammalian species, suggesting that this missense change does not adversely affect protein function. These predictions have not been confirmed by published functional studies and their clinical significance is uncertain. This variant has not been reported in the literature in individuals with CR2-related conditions. This variant is not present in population databases (ExAC no frequency). This sequence change replaces phenylalanine with leucine at codon 767 of the CR2 protein (p.Phe767Leu). The phenylalanine residue is moderately conserved and there is a small physicochemical difference between phenylalanine and leucine.